The following is an entry in ClinVar:

NM_020921.4(NIN):c.3742T>C (p.Tyr1248His)

Gene: NIN (ninein; minus strand). Cytogenetic location: 14q22.1.
Variant type: single nucleotide variant.
Coding change: c.3742T>C on transcript NM_020921.4 (MANE Select); coding-DNA position 3742, T replaced by C.
Protein change: p.Tyr1248His; replaces tyrosine 1248 with histidine.
Molecular consequence: missense variant. On other transcripts: intron variant (1).
Genome position (GRCh38, 1-based): chr14:50,757,288, A>G on the plus strand (T>C on the coding strand, the complement: NIN is on the minus strand). VCF-style: chr14-50757288-A-G. GRCh37 (hg19) VCF-style: chr14-51224006-A-G.
Other names: c.3742T>C, p.Tyr1248His (NM_182944.3, NM_182946.2); c.2400-2421T>C (NM_016350.5); short protein forms Y1248H.
Identifiers: ClinVar variation 2391658 (VCV002391658.5), dbSNP rs142655218, ClinGen allele CA7181687.

ClinVar aggregate classification (germline): Uncertain significance. Review status: criteria provided, multiple submitters, no conflicts (2 of 4 stars). 2 submissions from 2 submitters: Uncertain significance (2). Last evaluated 2025-01-15.

Allele frequency attached by ClinVar (database versions not stated): gnomAD exomes 0.00003; ExAC 0.00009; gnomAD 0.00036; 1000 Genomes Project 0.00040; TOPMed 0.00041; 1000 Genomes Project 30x 0.00062; ESP Exome Variant Server 0.00092.
gnomAD v4.1: 105 of 1,614,112 alleles (0.0065%); highest among the groups gnomAD compares: African/African-American, 0.13%; no homozygotes.

Submissions (2):

Labcorp Genetics (formerly Invitae), Labcorp
Classification: Uncertain significance. Last evaluated: 2025-01-15. Review status: criteria provided, single submitter. Criteria: Invitae Variant Classification Sherloc (09022015). Collection method: clinical testing. Allele origin: germline.
Comment: This sequence change replaces tyrosine, which is neutral and polar, with histidine, which is basic and polar, at codon 1248 of the NIN protein (p.Tyr1248His). This variant is present in population databases (rs142655218, gnomAD 0.1%), and has an allele count higher than expected for a pathogenic variant. This variant has not been reported in the literature in individuals affected with NIN-related conditions. ClinVar contains an entry for this variant (Variation ID: 2391658). An algorithm developed to predict the effect of missense changes on protein structure and function (PolyPhen-2) suggests that this variant is likely to be disruptive. In summary, the available evidence is currently insufficient to determine the role of this variant in disease. Therefore, it has been classified as a Variant of Uncertain Significance.

Ambry Genetics
Classification: Uncertain significance. Last evaluated: 2024-03-25. Review status: criteria provided, single submitter. Criteria: Ambry Variant Classification Scheme 2023. Collection method: clinical testing. Allele origin: germline.